The following is an entry in ClinVar:

NC_000009.11:g.(?_94712129)_(94712245_?)dup

Gene: ROR2 (receptor tyrosine kinase like orphan receptor 2; minus strand). Cytogenetic location: 9q22.31.
Variant type: Duplication.
Identifiers: ClinVar variation 2425155 (VCV002425155.4).

ClinVar aggregate classification (germline): Uncertain significance (1 of 4 stars; one submission).

Submission:

Labcorp Genetics (formerly Invitae), Labcorp
Classification: Uncertain significance. Last evaluated: 2024-01-08. Review status: criteria provided, single submitter. Criteria: Invitae Variant Classification Sherloc (09022015). Collection method: clinical testing. Allele origin: germline.
Comment: This variant results in a copy number gain of the genomic region encompassing exon(s) 1 of the ROR2 gene. This region includes the initiator codon of the gene. This copy number gain extends beyond the assayed region for this gene and therefore may encompass additional genes. As the precise location of this event is unknown, it may be in tandem or it may be located elsewhere in the genome. This variant has not been reported in the literature in individuals affected with ROR2-related conditions. Experimental studies and prediction algorithms are not available or were not evaluated, and the functional significance of this variant is currently unknown. In summary, the available evidence is currently insufficient to determine the role of this variant in disease. Therefore, it has been classified as a Variant of Uncertain Significance.